The following is an entry in ClinVar:

NM_001077365.2(POMT1):c.38C>T (p.Ala13Val)

Gene: POMT1 (protein O-mannosyltransferase 1; plus strand). Cytogenetic location: 9q34.13.
Variant type: single nucleotide variant.
Coding change: c.38C>T on transcript NM_001077365.2 (MANE Select); coding-DNA position 38, C replaced by T.
Protein change: p.Ala13Val; replaces alanine 13 with valine.
Molecular consequence: missense variant. On other transcripts: 5 prime UTR variant (4), non-coding transcript variant (4), intron variant (10).
Genome position (GRCh38, 1-based): chr9:131,504,256, C>T. VCF-style: chr9-131504256-C-T. GRCh37 (hg19) VCF-style: chr9-134379643-C-T.
Other names: c.38C>T, p.Ala13Val (NM_001136113.2, NM_001353193.2, NM_001353196.2 and 2 more transcripts); c.-207C>T (NM_001353195.2); c.-434C>T (NM_001353198.2); c.-156C>T (NM_001374692.1); c.-114C>T (NM_001374695.1); c.-41+943C>T (NM_001353194.2); c.-72+943C>T (NM_001374691.1); c.-41+1183C>T (NM_001374689.1, NM_001353197.2, NM_001077366.2 and 1 more transcripts); and 3 more; short protein forms A13V.
Identifiers: ClinVar variation 3753149 (VCV003753149.2).

ClinVar aggregate classification (germline): Uncertain significance (1 of 4 stars; one submission).

Conditions:
Muscular dystrophy-dystroglycanopathy (congenital with impaired intellectual development), type B, 1. Also called: MUSCULAR DYSTROPHY, CONGENITAL, POMT1-RELATED; Muscular dystrophy-dystroglycanopathy (congenital with intellectual disability), type B1. Identifiers: MedGen C5436962, MONDO:0013159, OMIM 613155.
Walker-Warburg congenital muscular dystrophy. Also called: Muscular dystrophy-dystroglycanopathy, type A; Walker-Warburg syndrome. Identifiers: Orphanet 899, MedGen C0265221, MONDO:0000171.
Autosomal recessive limb-girdle muscular dystrophy type 2K. Also called: MUSCULAR DYSTROPHY-DYSTROGLYCANOPATHY (LIMB-GIRDLE), TYPE C, 1; MUSCULAR DYSTROPHY, LIMB-GIRDLE, TYPE 2K. Identifiers: Orphanet 86812, MedGen C1836373, MONDO:0012248, OMIM 609308.

gnomAD v4.1: 4 of 1,614,076 alleles (0.00025%); highest among the groups gnomAD compares: South Asian, 0.0044%; no homozygotes.

Submission:

Labcorp Genetics (formerly Invitae), Labcorp
Classification: Uncertain significance for Muscular dystrophy-dystroglycanopathy (congenital with impaired intellectual development), type B, 1; Walker-Warburg congenital muscular dystrophy; Autosomal recessive limb-girdle muscular dystrophy type 2K. Last evaluated: 2024-11-27. Review status: criteria provided, single submitter. Criteria: Invitae Variant Classification Sherloc (09022015). Collection method: clinical testing. Allele origin: germline.
Comment: This sequence change replaces alanine, which is neutral and non-polar, with valine, which is neutral and non-polar, at codon 13 of the POMT1 protein (p.Ala13Val). This variant is present in population databases (rs779685333, gnomAD 0.006%). This variant has not been reported in the literature in individuals affected with POMT1-related conditions. Invitae Evidence Modeling of protein sequence and biophysical properties (such as structural, functional, and spatial information, amino acid conservation, physicochemical variation, residue mobility, and thermodynamic stability) indicates that this missense variant is not expected to disrupt POMT1 protein function with a negative predictive value of 95%. In summary, the available evidence is currently insufficient to determine the role of this variant in disease. Therefore, it has been classified as a Variant of Uncertain Significance.